The following is an entry in ClinVar:

ClinVar aggregate classification (germline): Likely benign (0 of 4 stars; one submission).

Conditions:
HDLBP-related disorder. Also called: HDLBP-related condition.

Allele frequency attached by ClinVar (database versions not stated): ExAC 0.00014; ESP Exome Variant Server 0.00015; TOPMed 0.00044; 1000 Genomes Project 30x 0.00047; 1000 Genomes Project 0.00060.
gnomAD v4.1: 140 of 1,614,176 alleles (0.0087%); highest among the groups gnomAD compares: African/African-American, 0.13%; 1 homozygote.

Submission:

PreventionGenetics, part of Exact Sciences
Classification: Likely benign for HDLBP-related condition. Last evaluated: 2019-07-12. Review status: no assertion criteria provided. Collection method: clinical testing. Allele origin: germline.
Comment: This variant is classified as likely benign based on ACMG/AMP sequence variant interpretation guidelines (Richards et al. 2015 PMID: 25741868, with internal and published modifications).

NM_005336.6(HDLBP):c.2262C>T (p.Arg754=)

Genes: ANO7 (anoctamin 7; plus strand), HDLBP (high density lipoprotein binding protein; minus strand). Cytogenetic location: 2q37.3.
Variant type: single nucleotide variant.
Coding change: c.2262C>T on transcript NM_005336.6 (MANE Select); coding-DNA position 2262, C replaced by T.
Protein change: p.Arg754=; no amino-acid change (arginine 754 retained).
Molecular consequence: synonymous variant.
Genome position (GRCh38, 1-based): chr2:241,240,030, G>A on the plus strand (C>T on the coding strand, the complement: HDLBP is on the minus strand). VCF-style: chr2-241240030-G-A. GRCh37 (hg19) VCF-style: chr2-242179445-G-A.
Other names: c.2163C>T, p.Arg721= (NM_001243900.3); c.2262C>T, p.Arg754= (NM_001320965.3, NM_001320966.3, NM_001320967.3 and 1 more transcripts).
Identifiers: ClinVar variation 3039218 (VCV003039218.2), dbSNP rs143039216, ClinGen allele CA2216401.